The following is an entry in ClinVar:

ClinVar aggregate classification (germline): Conflicting classifications of pathogenicity. Review status: criteria provided, conflicting classifications (1 of 4 stars). 3 submissions from 3 submitters: Uncertain significance (1); Likely benign (2). Last evaluated 2025-07-30.

Conditions:
Kleefstra syndrome 1 (KLEFS1). Identifiers: Orphanet 261494, MedGen C0795833, MONDO:0027407, OMIM 610253.

Allele frequency attached by ClinVar (database versions not stated): ExAC 0.00003; gnomAD exomes 0.00005 and 0.00006; TOPMed 0.00005; ESP Exome Variant Server 0.00008; gnomAD 0.00008 and 0.00009.
gnomAD v4.1: 95 of 1,609,634 alleles (0.0059%); highest among the groups gnomAD compares: Non-Finnish European, 0.0071%; no homozygotes.

Submissions (3):

Labcorp Genetics (formerly Invitae), Labcorp
Classification: Likely benign for Kleefstra syndrome 1. Last evaluated: 2025-07-30. Review status: criteria provided, single submitter. Criteria: Invitae Variant Classification Sherloc (09022015). Collection method: clinical testing. Allele origin: germline.

Department of Pathology and Laboratory Medicine, Sinai Health System
Classification: Uncertain significance for Kleefstra syndrome 1. Last evaluated: 2021-08-30. Review status: criteria provided, single submitter. Criteria: ACMG Guidelines, 2015. Collection method: research. Allele origin: germline.

GeneDx
Classification: Likely benign. Last evaluated: 2020-01-21. Review status: criteria provided, single submitter. Criteria: GeneDx Variant Classification Process June 2021. Collection method: clinical testing. Allele origin: germline. Affected: yes.
Comment: In silico analysis, which includes protein predictors and evolutionary conservation, supports a deleterious effect; Has not been previously published as pathogenic or benign to our knowledge

NM_024757.5(EHMT1):c.2797C>T (p.His933Tyr)

Gene: EHMT1 (euchromatic histone lysine methyltransferase 1; plus strand). Cytogenetic location: 9q34.3.
Variant type: single nucleotide variant.
Coding change: c.2797C>T on transcript NM_024757.5 (MANE Select); coding-DNA position 2797, C replaced by T.
Protein change: p.His933Tyr; replaces histidine 933 with tyrosine.
Molecular consequence: missense variant.
Genome position (GRCh38, 1-based): chr9:137,811,545, C>T. VCF-style: chr9-137811545-C-T. GRCh37 (hg19) VCF-style: chr9-140705997-C-T.
Other names: c.2776C>T, p.His926Tyr (NM_001354263.2); short protein forms H933Y, H926Y.
Identifiers: ClinVar variation 863516 (VCV000863516.11), dbSNP rs148946382, ClinGen allele CA5375062.